The following is an entry in ClinVar:

ClinVar aggregate classification (germline): Benign (1 of 4 stars; one submission).

Conditions:
Juvenile polyposis/hereditary hemorrhagic telangiectasia syndrome (JPHT). Also called: JP/HHT SYNDROME; JUVENILE POLYPOSIS WITH HEREDITARY HEMORRHAGIC TELANGIECTASIA; POLYPOSIS, GENERALIZED JUVENILE, WITH PULMONARY ARTERIOVENOUS MALFORMATION; TELANGIECTASIA, HEREDITARY HEMORRHAGIC, WITH JUVENILE POLYPOSIS COLI; Juvenile Polyposis Syndrome / Hereditary Hemorrhagic Telangiectasia (JPS/HHT). Identifiers: Orphanet 2929, MedGen C1832942, MONDO:0008278, OMIM 175050.

Submission:

Myriad Genetics, Inc.
Classification: Benign for Juvenile polyposis/hereditary hemorrhagic telangiectasia syndrome. Last evaluated: 2025-03-20. Review status: criteria provided, single submitter. Criteria: Myriad Autosomal Dominant, Autosomal Recessive and X-Linked Classification Criteria (2023). Collection method: clinical testing. Allele origin: unknown.
Comment: This variant is considered benign. This variant is a silent/synonymous amino acid change and it is not expected to impact splicing.

NM_005359.6(SMAD4):c.957T>C (p.Ala319=)

Gene: SMAD4 (SMAD family member 4; plus strand). Cytogenetic location: 18q21.2.
Variant type: single nucleotide variant.
Coding change: c.957T>C on transcript NM_005359.6 (MANE Select); coding-DNA position 957, T replaced by C.
Protein change: p.Ala319=; no amino-acid change (alanine 319 retained).
Molecular consequence: synonymous variant. On other transcripts: non-coding transcript variant (2).
Genome position (GRCh38, 1-based): chr18:51,065,424, T>C. VCF-style: chr18-51065424-T-C. GRCh37 (hg19) VCF-style: chr18-48591794-T-C.
Other names: c.957T>C, p.Ala319= (NM_001407041.1, NM_001407042.1, NM_001407043.1).
Identifiers: ClinVar variation 3903547 (VCV003903547.1).